The following is an entry in ClinVar:

ClinVar aggregate classification (germline): Uncertain significance (1 of 4 stars; one submission).

Conditions:
COL18A1-related disorder. Also called: COL18A1-related disorders; COL18A1-related condition.

gnomAD v4.1: 7 of 1,311,344 alleles (0.00053%); highest among the groups gnomAD compares: South Asian, 0.014%; no homozygotes.

Submission:

PreventionGenetics, part of Exact Sciences
Classification: Uncertain significance for COL18A1-related condition. Last evaluated: 2025-09-30. Review status: criteria provided, single submitter. Criteria: ACMG Guidelines, 2015. Collection method: clinical testing. Allele origin: germline.
Comment: The COL18A1 c.29C>G variant is predicted to result in the amino acid substitution p.Pro10Arg. To our knowledge, this variant has not been reported in the literature or in a large population database (gnomAD), indicating this variant is rare. At this time, the clinical significance of this variant is uncertain due to the absence of conclusive functional and genetic evidence.

NM_001379500.1(COL18A1):c.29C>G (p.Pro10Arg)

Genes: BNAT1 (breast cancer associated ESR1 regulating natural antisense transcript 1; minus strand), COL18A1 (collagen type XVIII alpha 1 chain; plus strand). Cytogenetic location: 21q22.3.
Variant type: single nucleotide variant.
Coding change: c.29C>G on transcript NM_001379500.1 (MANE Select); coding-DNA position 29, C replaced by G.
Protein change: p.Pro10Arg; replaces proline 10 with arginine.
Molecular consequence: missense variant. On other transcripts: non-coding transcript variant (1).
Genome position (GRCh38, 1-based): chr21:45,405,396, C>G. VCF-style: chr21-45405396-C-G. GRCh37 (hg19) VCF-style: chr21-46825311-C-G.
Other names: NM_130445.3:c.29C>G; short protein forms P10R.
Identifiers: ClinVar variation 4995990 (VCV004995990.1).